The following is an entry in ClinVar:

NM_000465.4(BARD1):c.1328C>T (p.Ser443Phe)

Gene: BARD1 (BRCA1 associated RING domain 1; minus strand). Cytogenetic location: 2q35.
Variant type: single nucleotide variant.
Coding change: c.1328C>T on transcript NM_000465.4 (MANE Select); coding-DNA position 1328, C replaced by T.
Protein change: p.Ser443Phe; replaces serine 443 with phenylalanine.
Molecular consequence: missense variant. On other transcripts: non-coding transcript variant (3), intron variant (3).
Genome position (GRCh38, 1-based): chr2:214,769,299, G>A on the plus strand (C>T on the coding strand, the complement: BARD1 is on the minus strand). VCF-style: chr2-214769299-G-A. GRCh37 (hg19) VCF-style: chr2-215634023-G-A.
Other names: c.1271C>T, p.Ser424Phe (NM_001282543.2); c.159-16744C>T (NM_001282548.2); c.216-16744C>T (NM_001282545.2); c.364+22998C>T (NM_001282549.2); short protein forms S424F, S443F.
Identifiers: ClinVar variation 4736202 (VCV004736202.1).
Genomic context (GRCh38, chr2:214,769,299, plus strand): 5'-GTCCATCCAGCATGGTCTTTAACATTTGGATCACTTCCATTTTGTAAAAGGTATTCAACA[G>A]AAGGTATGTCGCCCTAGAAAAATGAACAAAACGGAAATTAAAAAGCATTAAGGAAAGAAA-3'
Protein context (NP_000456.2, residues 433-453): HIASIKGDIP[Ser443Phe]VEYLLQNGSD

ClinVar aggregate classification (germline): Uncertain significance (1 of 4 stars; one submission).

Conditions:
Familial cancer of breast. Also called: hereditary breast carcinoma; BREAST CANCER, FAMILIAL; Hereditary breast cancer. Identifiers: Orphanet 227535, MedGen C0346153, MONDO:0016419, OMIM 114480. Disease mechanism: loss of function.

Submission:

Labcorp Genetics (formerly Invitae), Labcorp
Classification: Uncertain significance for Familial cancer of breast. Last evaluated: 2026-01-26. Review status: criteria provided, single submitter. Criteria: Invitae Variant Classification Sherloc (09022015). Collection method: clinical testing. Allele origin: germline.
Comment: This sequence change replaces serine, which is neutral and polar, with phenylalanine, which is neutral and non-polar, at codon 443 of the BARD1 protein (p.Ser443Phe). This variant is not present in population databases (gnomAD no frequency). This variant has not been reported in the literature in individuals affected with BARD1-related conditions. An algorithm developed to predict the effect of missense changes on protein structure and function (PolyPhen-2) suggests that this variant is likely to be disruptive. In summary, the available evidence is currently insufficient to determine the role of this variant in disease. Therefore, it has been classified as a Variant of Uncertain Significance.